The following is an entry in ClinVar:

ClinVar aggregate classification (germline): Likely benign. Review status: criteria provided, multiple submitters, no conflicts (2 of 4 stars). 3 submissions from 3 submitters: Likely benign (3). Last evaluated 2023-11-20.

Conditions:
Hereditary cancer-predisposing syndrome. Also called: Hereditary Cancer Syndrome; Neoplastic Syndromes, Hereditary; Tumor predisposition; Hereditary neoplastic syndrome. Identifiers: Orphanet 140162, MedGen C0027672, MeSH D009386, MONDO:0015356.
Breast-ovarian cancer, familial, susceptibility to, 2 (BROVCA2). Also called: BRCA2 Hereditary Breast and Ovarian Cancer. Identifiers: Orphanet 145, MedGen C2675520, MONDO:0012933, OMIM 612555. Disease mechanism: loss of function.

Allele frequency attached by ClinVar (database versions not stated): TOPMed 0.00001.

Submissions (3):

All of Us Research Program, National Institutes of Health
Classification: Likely benign for Breast-ovarian cancer, familial, susceptibility to, 2. Last evaluated: 2023-11-20. Review status: criteria provided, single submitter. Criteria: ACMG Guidelines, 2015. Collection method: clinical testing. Allele origin: germline. Inheritance: Autosomal dominant inheritance. Observed: 1 variant allele, 1 heterozygote.
Comment: This study involves interpretation of variants in research participants for the purpose of population health screening. Participant phenotype was not available at the time of variant classification. Additional details can be found in publication PMID: 35346344, PMCID: PMC8962531

Color Diagnostics, LLC DBA Color Health
Classification: Likely benign for Hereditary cancer-predisposing syndrome. Last evaluated: 2018-02-23. Review status: criteria provided, single submitter. Criteria: ACMG Guidelines, 2015. Collection method: clinical testing. Allele origin: germline.

Ambry Genetics
Classification: Likely benign for Hereditary cancer-predisposing syndrome. Last evaluated: 2015-11-04. Review status: criteria provided, single submitter. Criteria: Ambry Variant Classification Scheme 2023. Collection method: clinical testing. Allele origin: germline.

NM_000059.4(BRCA2):c.3849A>C (p.Val1283=)

Gene: BRCA2 (BRCA2 DNA repair associated; plus strand). Cytogenetic location: 13q13.1.
Variant type: single nucleotide variant.
Coding change: c.3849A>C on transcript NM_000059.4 (MANE Select); coding-DNA position 3849, A replaced by C.
Protein change: p.Val1283=; no amino-acid change (valine 1283 retained).
Molecular consequence: synonymous variant.
Genome position (GRCh38, 1-based): chr13:32,338,204, A>C. VCF-style: chr13-32338204-A-C. GRCh37 (hg19) VCF-style: chr13-32912341-A-C.
Identifiers: ClinVar variation 631398 (VCV000631398.5), dbSNP rs1214830867, ClinGen allele CA483437991.